The following is an entry in ClinVar:

ClinVar aggregate classification (germline): Uncertain significance. Review status: criteria provided, multiple submitters, no conflicts (2 of 4 stars). 3 submissions from 3 submitters: Uncertain significance (3). Last evaluated 2025-11-26.

Conditions:
Inborn genetic diseases. Identifiers: MedGen C0950123, MeSH D030342.

Allele frequency attached by ClinVar (database versions not stated): gnomAD 0.00002; TOPMed 0.00002.

Submissions (3):

Ambry Genetics
Classification: Uncertain significance for Inborn genetic diseases. Last evaluated: 2025-11-26. Review status: criteria provided, single submitter. Criteria: Ambry Variant Classification Scheme 2023. Collection method: clinical testing. Allele origin: germline.

Women's Health and Genetics/Laboratory Corporation of America, LabCorp
Classification: Uncertain significance. Last evaluated: 2023-06-28. Review status: criteria provided, single submitter. Criteria: LabCorp Variant Classification Summary - May 2015. Collection method: clinical testing. Allele origin: germline.
Comment: Variant summary: GFER c.55C>T (p.Pro19Ser) results in a non-conservative amino acid change in the encoded protein sequence. Four of five in-silico tools predict a benign effect of the variant on protein function. The variant allele was found at a frequency of 2.4e-05 in 82810 control chromosomes (gnomAD). The available data on variant occurrences in the general population are insufficient to allow any conclusion about variant significance. To our knowledge, no occurrence of c.55C>T in individuals affected with Congenital Cataract-Progressive Muscular Hypotonia-Hearing Loss-Developmental Delay Syndrome and no experimental evidence demonstrating its impact on protein function have been reported. One submitter has cited a clinical-significance assessment for this variant to ClinVar after 2014 and has classified the variant as uncertain significance. Based on the evidence outlined above, the variant was classified as uncertain significance.

Labcorp Genetics (formerly Invitae), Labcorp
Classification: Uncertain significance. Last evaluated: 2022-03-10. Review status: criteria provided, single submitter. Criteria: Invitae Variant Classification Sherloc (09022015). Collection method: clinical testing. Allele origin: germline.
Comment: This sequence change replaces proline, which is neutral and non-polar, with serine, which is neutral and polar, at codon 19 of the GFER protein (p.Pro19Ser). In summary, the available evidence is currently insufficient to determine the role of this variant in disease. Therefore, it has been classified as a Variant of Uncertain Significance. Algorithms developed to predict the effect of missense changes on protein structure and function are either unavailable or do not agree on the potential impact of this missense change (SIFT: "Deleterious"; PolyPhen-2: "Probably Damaging"; Align-GVGD: "Class C0"). This variant has not been reported in the literature in individuals affected with GFER-related conditions. The frequency data for this variant in the population databases is considered unreliable, as metrics indicate poor data quality at this position in the gnomAD database.

NM_005262.3(GFER):c.55C>T (p.Pro19Ser)

Genes: GFER (growth factor, augmenter of liver regeneration; plus strand), LOC130058203 (ATAC-STARR-seq lymphoblastoid silent region 7014; plus strand). Cytogenetic location: 16p13.3.
Variant type: single nucleotide variant.
Coding change: c.55C>T on transcript NM_005262.3 (MANE Select); coding-DNA position 55, C replaced by T.
Protein change: p.Pro19Ser; replaces proline 19 with serine.
Molecular consequence: missense variant.
Genome position (GRCh38, 1-based): chr16:1,984,273, C>T. VCF-style: chr16-1984273-C-T. GRCh37 (hg19) VCF-style: chr16-2034274-C-T.
Other names: c.55C>T (NM_005262.2); short protein forms P19S.
Identifiers: ClinVar variation 2150355 (VCV002150355.4), dbSNP rs893122483, ClinGen allele CA276772896.